The following is an entry in ClinVar:

ClinVar aggregate classification (germline): Benign (1 of 4 stars; one submission).

Allele frequency attached by ClinVar (database versions not stated): 1000 Genomes Project 0.10863; 1000 Genomes Project 30x 0.11337; gnomAD exomes 0.13084; gnomAD 0.13722 and 0.14022; TOPMed 0.13897.
gnomAD v4.1: 190,932 of 1,453,562 alleles (13%); highest among the groups gnomAD compares: African/African-American, 17%; 13,691 homozygotes.

Submission:

GeneDx
Classification: Benign. Last evaluated: 2018-06-14. Review status: criteria provided, single submitter. Criteria: GeneDx Variant Classification (06012015). Collection method: clinical testing. Allele origin: germline. Affected: yes.
Comment: This variant is considered likely benign or benign based on one or more of the following criteria: it is a conservative change, it occurs at a poorly conserved position in the protein, it is predicted to be benign by multiple in silico algorithms, and/or has population frequency not consistent with disease.

NM_198904.4(GABRG2):c.770-81A>G

Gene: GABRG2 (gamma-aminobutyric acid type A receptor subunit gamma2; plus strand). Cytogenetic location: 5q34.
Variant type: single nucleotide variant.
Coding change: c.770-81A>G on transcript NM_198904.4 (MANE Select); 81 bases into the intron before coding-DNA position 770, A replaced by G.
Molecular consequence: intron variant.
Genome position (GRCh38, 1-based): chr5:162,142,083, A>G. VCF-style: chr5-162142083-A-G. GRCh37 (hg19) VCF-style: chr5-161569089-A-G.
Other names: c.770-81A>G (NM_000816.3, NM_001375340.1); c.485-81A>G (NM_001375349.1); c.890-81A>G (NM_001375343.1, NM_198903.2); c.809-81A>G (NM_001375344.1); c.770-84A>G (NM_001375341.1, NM_001375342.1); c.350-81A>G (NM_001375350.1, NM_001375348.1); c.761-81A>G (NM_001375339.1); c.704-81A>G (NM_001375346.1, NM_001375345.1); and 1 more.
Identifiers: ClinVar variation 670655 (VCV000670655.1), dbSNP rs17060112, ClinGen allele CA12134966.